The following is an entry in ClinVar:

NM_002880.4(RAF1):c.208-85C>T

Gene: RAF1 (Raf-1 proto-oncogene, serine/threonine kinase; minus strand). Cytogenetic location: 3p25.2.
Variant type: single nucleotide variant.
Coding change: c.208-85C>T on transcript NM_002880.4 (MANE Select); 85 bases into the intron before coding-DNA position 208, C replaced by T.
Molecular consequence: intron variant.
Genome position (GRCh38, 1-based): chr3:12,612,147, G>A on the plus strand (C>T on the coding strand, the complement: RAF1 is on the minus strand). VCF-style: chr3-12612147-G-A. GRCh37 (hg19) VCF-style: chr3-12653646-G-A.
Other names: c.78-2812C>T (NM_001354695.3, NM_001354692.3, NM_001354694.3 and 1 more transcripts); c.208-85C>T (NM_001354693.3, NM_001354689.3, NM_001354690.3).
Identifiers: ClinVar variation 561453 (VCV000561453.2), dbSNP rs5746196, ClinGen allele CA69624899.
Genomic context (GRCh38, chr3:12,612,147, plus strand): 5'-GACCAACACAGGCTGCAGCACCCCTTGGAAAGGTGGGCACAGAAATAAATGCACCAGTCT[G>A]TATTGCTTGTGATGGCCCACGCACACACACATATACGAAACAACCTGAATGTCCAGCAAT-3'

ClinVar aggregate classification (germline): Likely benign. Review status: criteria provided, multiple submitters, no conflicts (2 of 4 stars). 2 submissions from 2 submitters: Likely benign (2). Last evaluated 2018-06-14.

Allele frequency attached by ClinVar (database versions not stated): gnomAD 0.00721 and 0.00768; TOPMed 0.00810; 1000 Genomes Project 0.00919; 1000 Genomes Project 30x 0.00999.
gnomAD v4.1: 1,814 of 1,053,150 alleles (0.17%); highest among the groups gnomAD compares: African/African-American, 2.4%; 11 homozygotes.

Submissions (2):

GeneDx
Classification: Likely benign. Last evaluated: 2018-06-14. Review status: criteria provided, single submitter. Criteria: GeneDx Variant Classification (06012015). Collection method: clinical testing. Allele origin: germline. Affected: yes.
Comment: This variant is considered likely benign or benign based on one or more of the following criteria: it is a conservative change, it occurs at a poorly conserved position in the protein, it is predicted to be benign by multiple in silico algorithms, and/or has population frequency not consistent with disease.

Breakthrough Genomics
Classification: Likely benign. Review status: criteria provided, single submitter. Criteria: ACMG Guidelines, 2015. Collection method: not provided. Allele origin: germline. Inheritance: Autosomal dominant inheritance. Affected: yes.